The following is an entry in ClinVar:

NC_012920.1(MT-TI):m.4318C>T

Gene: MT-TI (mitochondrially encoded tRNA isoleucine; plus strand).
Variant type: single nucleotide variant.
Genome position: chrM-4318-C-T.
Identifiers: ClinVar variation 689882 (VCV000689882.1), dbSNP rs1603219405, ClinGen allele CA913177714.
Genomic context (GRCh38, chrMT:4,318, plus strand): 5'-ACCTAAGAAATATGTCTGATAAAAGAGTTACTTTGATAGAGTAAATAATAGGAGCTTAAA[C>T]CCCCTTATTTCTAGGACTATGAGAATCGAACCCATCCCTGAGAATCCAAAATTCTCCGTG-3'

ClinVar aggregate classification (germline): Likely benign (1 of 4 stars; one submission).

Conditions:
MELAS syndrome (MELAS). Also called: Juvenile myopathy, encephalopathy, lactic acidosis, stroke. Identifiers: Orphanet 550, MedGen C0162671, MONDO:0010789, OMIM 540000.

Submission:

Wong Mito Lab, Molecular and Human Genetics, Baylor College of Medicine
Classification: Likely benign for MELAS syndrome. Last evaluated: 2019-07-12. Review status: criteria provided, single submitter. Criteria: Modified ACMG Guidelines (Unpublished). Collection method: clinical testing. Allele origin: germline.
Comment: The NC_012920.1:m.4318C>T variant in MT-TI gene is interpreted to be a Likely Benign variant based on the modified ACMG guidelines (unpublished). This variant meets the following evidence codes reported in the guidelines: BP4, BP6

Literature cited by the submitters: PubMed 31965079.